The following is an entry in ClinVar:

NM_206933.4(USH2A):c.1645-18T>A

Gene: USH2A (usherin; minus strand). Cytogenetic location: 1q41.
Variant type: single nucleotide variant.
Coding change: c.1645-18T>A on transcript NM_206933.4 (MANE Select); 18 bases into the intron before coding-DNA position 1645, T replaced by A.
Molecular consequence: intron variant.
Genome position (GRCh38, 1-based): chr1:216,292,388, A>T on the plus strand (T>A on the coding strand, the complement: USH2A is on the minus strand). VCF-style: chr1-216292388-A-T. GRCh37 (hg19) VCF-style: chr1-216465730-A-T.
Other names: c.1645-18T>A (NM_007123.6).
Identifiers: ClinVar variation 1482786 (VCV001482786.3), dbSNP rs2102611191, ClinGen allele CA2573132649.

ClinVar aggregate classification (germline): Uncertain significance (1 of 4 stars; one submission).

Submission:

Labcorp Genetics (formerly Invitae), Labcorp
Classification: Uncertain significance. Last evaluated: 2021-09-02. Review status: criteria provided, single submitter. Criteria: Invitae Variant Classification Sherloc (09022015). Collection method: clinical testing. Allele origin: germline.
Comment: This sequence change falls in intron 9 of the USH2A gene. It does not directly change the encoded amino acid sequence of the USH2A protein. This variant is not present in population databases (ExAC no frequency). This variant has not been reported in the literature in individuals affected with USH2A-related conditions. Algorithms developed to predict the effect of sequence changes on RNA splicing suggest that this variant may create or strengthen a splice site. In summary, the available evidence is currently insufficient to determine the role of this variant in disease. Therefore, it has been classified as a Variant of Uncertain Significance.